The following is an entry in ClinVar:

ClinVar aggregate classification (germline): Uncertain significance. Review status: criteria provided, multiple submitters, no conflicts (2 of 4 stars). 3 submissions from 3 submitters: Uncertain significance (3). Last evaluated 2026-01-26.

Conditions:
Hereditary cancer-predisposing syndrome. Also called: Tumor predisposition; Hereditary Cancer Syndrome; Neoplastic Syndromes, Hereditary; Hereditary neoplastic syndrome. Identifiers: Orphanet 140162, MedGen C0027672, MeSH D009386, MONDO:0015356.
Familial cancer of breast. Also called: BREAST CANCER, FAMILIAL; Hereditary breast cancer; hereditary breast carcinoma. Identifiers: Orphanet 227535, MedGen C0346153, MONDO:0016419, OMIM 114480. Disease mechanism: loss of function.

Allele frequency attached by ClinVar (database versions not stated): TOPMed below 0.00001; gnomAD 0.00001.
gnomAD v4.1: 1 of 1,608,166 alleles (0.000062%); highest among the groups gnomAD compares: Non-Finnish European, 0.000085%; no homozygotes.

Submissions (3):

Labcorp Genetics (formerly Invitae), Labcorp
Classification: Uncertain significance for Familial cancer of breast. Last evaluated: 2026-01-26. Review status: criteria provided, single submitter. Criteria: Invitae Variant Classification Sherloc (09022015). Collection method: clinical testing. Allele origin: germline.
Comment: This sequence change replaces aspartic acid, which is acidic and polar, with glutamic acid, which is acidic and polar, at codon 927 of the PALB2 protein (p.Asp927Glu). This variant is not present in population databases (gnomAD no frequency). This variant has not been reported in the literature in individuals affected with PALB2-related conditions. ClinVar contains an entry for this variant (Variation ID: 821804). Invitae Evidence Modeling of protein sequence and biophysical properties (such as structural, functional, and spatial information, amino acid conservation, physicochemical variation, residue mobility, and thermodynamic stability) indicates that this missense variant is not expected to disrupt PALB2 protein function with a negative predictive value of 80%. In summary, the available evidence is currently insufficient to determine the role of this variant in disease. Therefore, it has been classified as a Variant of Uncertain Significance.

Ambry Genetics
Classification: Uncertain significance for Hereditary cancer-predisposing syndrome. Last evaluated: 2024-08-17. Review status: criteria provided, single submitter. Criteria: Ambry Variant Classification Scheme 2023. Collection method: clinical testing. Allele origin: germline.
Comment: The p.D927E variant (also known as c.2781T>A), located in coding exon 8 of the PALB2 gene, results from a T to A substitution at nucleotide position 2781. The aspartic acid at codon 927 is replaced by glutamic acid, an amino acid with highly similar properties. This amino acid position is well conserved in available vertebrate species, however, glutamic acid is the reference amino acid in two species. In addition, this alteration is predicted to be tolerated by in silico analysis. Since supporting evidence is limited at this time, the clinical significance of this alteration remains unclear.

Color Diagnostics, LLC DBA Color Health
Classification: Uncertain significance for Hereditary cancer-predisposing syndrome. Last evaluated: 2024-03-06. Review status: criteria provided, single submitter. Criteria: ACMG Guidelines, 2015. Collection method: clinical testing. Allele origin: germline.
Comment: This missense variant replaces aspartic acid with glutamic acid at codon 927 of the PALB2 protein. Computational prediction suggests that this variant may not impact protein structure and function (internally defined REVEL score threshold <= 0.5, PMID: 27666373). Splice site prediction tools suggest that this variant may not impact RNA splicing. To our knowledge, functional studies have not been performed for this variant. This variant has not been reported in individuals affected with hereditary cancer in the literature. This variant has not been identified in the general population by the Genome Aggregation Database (gnomAD). The available evidence is insufficient to determine the role of this variant in disease conclusively. Therefore, this variant is classified as a Variant of Uncertain Significance.

NM_024675.4(PALB2):c.2781T>A (p.Asp927Glu)

Gene: PALB2 (partner and localizer of BRCA2; minus strand). Cytogenetic location: 16p12.2.
Variant type: single nucleotide variant.
Coding change: c.2781T>A on transcript NM_024675.4 (MANE Select); coding-DNA position 2781, T replaced by A.
Protein change: p.Asp927Glu; replaces aspartic acid 927 with glutamic acid.
Molecular consequence: missense variant.
Genome position (GRCh38, 1-based): chr16:23,624,062, A>T on the plus strand (T>A on the coding strand, the complement: PALB2 is on the minus strand). VCF-style: chr16-23624062-A-T. GRCh37 (hg19) VCF-style: chr16-23635383-A-T.
Other names: short protein forms D927E.
Identifiers: ClinVar variation 821804 (VCV000821804.20), dbSNP rs1373766717, ClinGen allele CA395145106.
Genomic context (GRCh38, chr16:23,624,062, plus strand): 5'-TACATACCTGATCTCTCTGATTTCCAAATTTCCCAAAGCTACACACACGAGATTATACAC[A>T]TCAGGCACTGGAACTATCTGTAATACTGGAACCTAAATAAAACAAAGCAGCCAAAAATTA-3'
Protein context (NP_078951.2, residues 917-937): VPVLQIVPVP[Asp927Glu]VYNLVCVALG